The following is an entry in ClinVar:

ClinVar aggregate classification (germline): Pathogenic (1 of 4 stars; one submission).

Conditions:
Borjeson-Forssman-Lehmann syndrome (BFLS). Also called: MENTAL RETARDATION, X-LINKED, SYNDROMIC, BORJESON-FORSSMAN-LEHMANN TYPE; MENTAL RETARDATION, EPILEPSY, AND ENDOCRINE DISORDERS; BORJESON SYNDROME. Identifiers: Orphanet 127, MedGen C0265339, MONDO:0010537, OMIM 301900.

Submission:

Institute of Human Genetics, University of Leipzig Medical Center
Classification: Pathogenic for Borjeson-Forssman-Lehmann syndrome. Last evaluated: 2018-11-07. Review status: criteria provided, single submitter. Criteria: ACMG Guidelines, 2015. Collection method: clinical testing. Allele origin: germline. Affected: yes. Observed: 1 variant allele.
Comment: This variant was identified as hemizygous

NM_001015877.2(PHF6):c.585+1G>A

Gene: PHF6 (PHD finger protein 6; plus strand). Cytogenetic location: Xq26.2.
Variant type: single nucleotide variant.
Coding change: c.585+1G>A on transcript NM_001015877.2 (MANE Select); the canonical splice donor site of the intron after coding-DNA position 585, G replaced by A.
Molecular consequence: splice donor variant.
Genome position (GRCh38, 1-based): chrX:134,413,658, G>A. VCF-style: chrX-134413658-G-A. GRCh37 (hg19) VCF-style: chrX-133547688-G-A.
Other names: c.585+1G>A (NM_032458.3); c.588+1G>A (NM_032335.3).
Identifiers: ClinVar variation 976155 (VCV000976155.1), dbSNP rs2077460481, ClinGen allele CA414712748.